The following is an entry in ClinVar:

NM_006939.4(SOS2):c.2317G>C (p.Asp773His)

Gene: SOS2 (SOS Ras/Rho guanine nucleotide exchange factor 2; minus strand). Cytogenetic location: 14q21.3.
Variant type: single nucleotide variant.
Coding change: c.2317G>C on transcript NM_006939.4 (MANE Select); coding-DNA position 2317, G replaced by C.
Protein change: p.Asp773His; replaces aspartic acid 773 with histidine.
Molecular consequence: missense variant.
Genome position (GRCh38, 1-based): chr14:50,150,075, C>G on the plus strand (G>C on the coding strand, the complement: SOS2 is on the minus strand). VCF-style: chr14-50150075-C-G. GRCh37 (hg19) VCF-style: chr14-50616793-C-G.
Other names: short protein forms D773H.
Identifiers: ClinVar variation 377127 (VCV000377127.27), dbSNP rs114711076, ClinGen allele CA7177070.

ClinVar aggregate classification (germline): Benign/Likely benign. Review status: criteria provided, multiple submitters, no conflicts (2 of 4 stars). 9 submissions from 9 submitters: Benign (1); Likely benign (6). 2 of the submissions do not count toward it. Last evaluated 2026-01-05.

Conditions:
Noonan syndrome 9 (NS9). Identifiers: Orphanet 648, MedGen C4225282, MONDO:0014691, OMIM 616559.
Noonan syndrome (NS). Also called: Noonan's syndrome. Identifiers: Orphanet 648, MedGen C0028326, MeSH D009634, MONDO:0018997. Disease mechanism: gain of function.
SOS2-related disorder. Also called: SOS2-related condition.
Cardiovascular phenotype. Identifiers: MedGen CN230736.

Allele frequency attached by ClinVar (database versions not stated): gnomAD exomes 0.00004 and 0.00014; ExAC 0.00015; 1000 Genomes Project 30x 0.00016; 1000 Genomes Project 0.00020; gnomAD 0.00040 and 0.00041; TOPMed 0.00047 and 0.00049; ESP Exome Variant Server 0.00077.
gnomAD v4.1: 116 of 1,614,086 alleles (0.0072%); highest among the groups gnomAD compares: African/African-American, 0.13%; no homozygotes.

Submissions (9):

Labcorp Genetics (formerly Invitae), Labcorp
Classification: Likely benign for Noonan syndrome 9. Last evaluated: 2026-01-05. Review status: criteria provided, single submitter. Criteria: Invitae Variant Classification Sherloc (09022015). Collection method: clinical testing. Allele origin: germline.

Ambry Genetics
Classification: Benign for Cardiovascular phenotype. Last evaluated: 2023-11-27. Review status: criteria provided, single submitter. Criteria: Ambry Variant Classification Scheme 2023. Collection method: clinical testing. Allele origin: germline.

Blueprint Genetics
Classification: Likely benign. Last evaluated: 2022-06-22. Review status: criteria provided, single submitter. Criteria: ACMG Guidelines, 2015. Collection method: clinical testing. Allele origin: germline.

Women's Health and Genetics/Laboratory Corporation of America, LabCorp
Classification: Likely benign. Last evaluated: 2021-03-01. Review status: criteria provided, single submitter. Criteria: LabCorp Variant Classification Summary - May 2015. Collection method: clinical testing. Allele origin: germline.
Comment: Variant summary: SOS2 c.2317G>C (p.Asp773His) results in a non-conservative amino acid change in the encoded protein sequence. Three of five in-silico tools predict a benign effect of the variant on protein function. The variant allele was found at a frequency of 0.00014 in 251282 control chromosomes. The observed variant frequency is approximately 54 fold of the estimated maximal expected allele frequency for a pathogenic variant in SOS2 causing Noonan Syndrome phenotype (2.5e-06), strongly suggesting that the variant is benign. To our knowledge, no occurrence of c.2317G>C in individuals affected with Noonan Syndrome and no experimental evidence demonstrating its impact on protein function have been reported. Two clinical diagnostic laboratories have submitted clinical-significance assessments for this variant to ClinVar after 2014 without evidence for independent evaluation. All laboratories classified the variant as likely benign. Based on the evidence outlined above, the variant was classified as likely benign.

ARUP Laboratories, Molecular Genetics and Genomics, ARUP Laboratories
Classification: Likely benign for Noonan syndrome 9. Last evaluated: 2020-10-12. Review status: criteria provided, single submitter. Criteria: ARUP Molecular Germline Variant Investigation Process 2021. Collection method: clinical testing. Allele origin: germline.

Center for Pediatric Genomic Medicine, Children's Mercy Hospital and Clinics
Classification: Likely benign. Last evaluated: 2016-10-11. Review status: criteria provided, single submitter. Criteria: ACMG Guidelines, 2015. Collection method: clinical testing. Allele origin: germline.
ClinVar note: Converted during submission from Likely Benign to Likely benign.

Genome-Nilou Lab
Classification: Likely benign for Noonan syndrome 9. Review status: criteria provided, single submitter. Criteria: ACMG Guidelines, 2015. Collection method: clinical testing. Allele origin: germline.

PreventionGenetics, part of Exact Sciences
Classification: Likely benign for SOS2-related condition. Last evaluated: 2021-10-19. Review status: no assertion criteria provided. Collection method: clinical testing. Allele origin: germline. Not counted in ClinVar's aggregate classification.
Comment: This variant is classified as likely benign based on ACMG/AMP sequence variant interpretation guidelines (Richards et al. 2015 PMID: 25741868, with internal and published modifications).

Service de Génétique Moléculaire, Hôpital Robert Debré
Classification: Likely benign for Noonan syndrome. Review status: no assertion criteria provided. Collection method: clinical testing. Allele origin: maternal. Affected: no. Not counted in ClinVar's aggregate classification.